The following is an entry in ClinVar:

NM_000368.5(TSC1):c.308G>A (p.Trp103Ter)

Gene: TSC1 (TSC complex subunit 1; minus strand). Cytogenetic location: 9q34.13.
Variant type: single nucleotide variant.
Coding change: c.308G>A on transcript NM_000368.5 (MANE Select); coding-DNA position 308, G replaced by A.
Protein change: p.Trp103Ter; replaces tryptophan 103 with a stop codon.
Molecular consequence: nonsense. On other transcripts: 5 prime UTR variant (1), intron variant (1).
Genome position (GRCh38, 1-based): chr9:132,925,642, C>T on the plus strand (G>A on the coding strand, the complement: TSC1 is on the minus strand). VCF-style: chr9-132925642-C-T. GRCh37 (hg19) VCF-style: chr9-135801029-C-T.
Other names: c.308G>A, p.Trp103Ter (NM_001162426.2); c.-56G>A (NM_001362177.2); c.210+1559G>A (NM_001162427.2); short protein forms W103*.
Identifiers: ClinVar variation 49012 (VCV000049012.6), dbSNP rs118203364, ClinGen allele CA007151.

ClinVar aggregate classification (germline): Pathogenic. Review status: criteria provided, single submitter (1 of 4 stars). 2 submissions from 2 submitters: Pathogenic (1). 1 of the submissions does not count toward it. Last evaluated 2023-04-10.

Conditions:
Tuberous sclerosis syndrome (TSC). Also called: Tuberous Sclerosis Complex; Tuberous sclerosis. Identifiers: Orphanet 805, MedGen C0041341, MONDO:0001734.
Tuberous sclerosis 1 (TSC1). Identifiers: Orphanet 805, MedGen C1854465, MONDO:0008612, OMIM 191100.

Submissions (2):

Labcorp Genetics (formerly Invitae), Labcorp
Classification: Pathogenic for Tuberous sclerosis 1. Last evaluated: 2023-04-10. Review status: criteria provided, single submitter. Criteria: Invitae Variant Classification Sherloc (09022015). Collection method: clinical testing. Allele origin: germline.
Comment: For these reasons, this variant has been classified as Pathogenic. ClinVar contains an entry for this variant (Variation ID: 49012). This premature translational stop signal has been observed in individual(s) with tuberous sclerosis complex (PMID: 10227394). This variant is not present in population databases (gnomAD no frequency). This sequence change creates a premature translational stop signal (p.Trp103*) in the TSC1 gene. It is expected to result in an absent or disrupted protein product. Loss-of-function variants in TSC1 are known to be pathogenic (PMID: 10227394, 17304050).

Tuberous sclerosis database (TSC1)
No classification provided. Condition: TSC. Review status: no classification provided. Criteria: Tuberous Sclerosis Database Assertion Criteria 2015. Collection method: curation. Allele origin: germline. Affected: yes. Not counted in ClinVar's aggregate classification.

Literature cited by the submitters: PubMed 10227394 (cited by Labcorp Genetics (formerly Invitae), Labcorp); PubMed 17304050 (cited by Labcorp Genetics (formerly Invitae), Labcorp).